The following is an entry in ClinVar:

ClinVar aggregate classification (germline): Uncertain significance (1 of 4 stars; one submission).

Conditions:
Cystic fibrosis (CF). Also called: MUCOVISCIDOSIS. Identifiers: Orphanet 586, MedGen C0010674, MONDO:0009061, OMIM 219700. Disease mechanism: loss of function.

Submission:

Ambry Genetics
Classification: Uncertain significance for Cystic fibrosis. Last evaluated: 2025-12-27. Review status: criteria provided, single submitter. Criteria: Ambry Variant Classification Scheme 2023. Collection method: clinical testing. Allele origin: germline.
Comment: The p.F640L variant (also known as c.1918T>C), located in coding exon 14 of the CFTR gene, results from a T to C substitution at nucleotide position 1918. The phenylalanine at codon 640 is replaced by leucine, an amino acid with highly similar properties. This amino acid position is conserved. In addition, this alteration is predicted to be deleterious by in silico analysis. Based on the available evidence, the clinical significance of this variant remains unclear.

NM_000492.4(CFTR):c.1918T>C (p.Phe640Leu)

Gene: CFTR (CF transmembrane conductance regulator; plus strand). Cytogenetic location: 7q31.2.
Variant type: single nucleotide variant.
Coding change: c.1918T>C on transcript NM_000492.4 (MANE Select); coding-DNA position 1918, T replaced by C.
Protein change: p.Phe640Leu; replaces phenylalanine 640 with leucine.
Molecular consequence: missense variant.
Genome position (GRCh38, 1-based): chr7:117,592,085, T>C. VCF-style: chr7-117592085-T-C. GRCh37 (hg19) VCF-style: chr7-117232139-T-C.
Other names: short protein forms F640L.
Identifiers: ClinVar variation 4843824 (VCV004843824.1).